The following is an entry in ClinVar:

NM_182894.3(VSX2):c.346G>A (p.Asp116Asn)

Gene: VSX2 (visual system homeobox 2; plus strand). Cytogenetic location: 14q24.3.
Variant type: single nucleotide variant.
Coding change: c.346G>A on transcript NM_182894.3 (MANE Select); coding-DNA position 346, G replaced by A.
Protein change: p.Asp116Asn; replaces aspartic acid 116 with asparagine.
Molecular consequence: missense variant.
Genome position (GRCh38, 1-based): chr14:74,239,907, G>A. VCF-style: chr14-74239907-G-A. GRCh37 (hg19) VCF-style: chr14-74706610-G-A.
Other names: c.346G>A (NM_182894.2); short protein forms D116N.
Identifiers: ClinVar variation 1958929 (VCV001958929.6), dbSNP rs2079137956, ClinGen allele CA390360707.
Genomic context (GRCh38, chr14:74,239,907, plus strand): 5'-GTGCTGTCCGACCCGCAGAGCGTCCACTTGCAGCCATTGGGCAGAGCATCGGGGCCGCTG[G>A]ACACCAGCCAGACGGCCAGCTCGGGTAGGTGAGGAGAGGTTGCGCTGCTGCCTGACTGGG-3'
Protein context (NP_878314.1, residues 106-126): QPLGRASGPL[Asp116Asn]TSQTASSDSE

ClinVar aggregate classification (germline): Uncertain significance. Review status: criteria provided, single submitter (1 of 4 stars). 2 submissions from 2 submitters: Uncertain significance (1). 1 of the submissions does not count toward it. Last evaluated 2022-01-27.

Conditions:
Microphthalmia. Also called: Microphthalmos. Identifiers: MedGen C0026010, MONDO:0021129, HP:0000568.
Isolated microphthalmia 2. Identifiers: Orphanet 2542, MedGen C1864720, MONDO:0012409, OMIM 610093.

Allele frequency attached by ClinVar (database versions not stated): gnomAD exomes below 0.00001; TOPMed below 0.00001.

Submissions (2):

Labcorp Genetics (formerly Invitae), Labcorp
Classification: Uncertain significance for Isolated microphthalmia 2. Last evaluated: 2022-01-27. Review status: criteria provided, single submitter. Criteria: Invitae Variant Classification Sherloc (09022015). Collection method: clinical testing. Allele origin: germline.
Comment: In summary, the available evidence is currently insufficient to determine the role of this variant in disease. Therefore, it has been classified as a Variant of Uncertain Significance. Algorithms developed to predict the effect of missense changes on protein structure and function are either unavailable or do not agree on the potential impact of this missense change (SIFT: "Tolerated"; PolyPhen-2: "Possibly Damaging"; Align-GVGD: "Class C0"). This variant has not been reported in the literature in individuals affected with VSX2-related conditions. This variant is not present in population databases (gnomAD no frequency). This sequence change replaces aspartic acid, which is acidic and polar, with asparagine, which is neutral and polar, at codon 116 of the VSX2 protein (p.Asp116Asn).

Natera, Inc.
Classification: Uncertain significance for Microphthalmia. Last evaluated: 2025-03-04. Review status: no assertion criteria provided. Collection method: clinical testing. Allele origin: germline. Not counted in ClinVar's aggregate classification.